The following is an entry in ClinVar:

NM_000092.5(COL4A4):c.410G>A (p.Gly137Asp)

Gene: COL4A4 (collagen type IV alpha 4 chain; minus strand). Cytogenetic location: 2q36.3.
Variant type: single nucleotide variant.
Coding change: c.410G>A on transcript NM_000092.5 (MANE Select); coding-DNA position 410, G replaced by A.
Protein change: p.Gly137Asp; replaces glycine 137 with aspartic acid.
Molecular consequence: missense variant.
Genome position (GRCh38, 1-based): chr2:227,118,724, C>T on the plus strand (G>A on the coding strand, the complement: COL4A4 is on the minus strand). VCF-style: chr2-227118724-C-T. GRCh37 (hg19) VCF-style: chr2-227983440-C-T.
Other names: short protein forms G137D.
Identifiers: ClinVar variation 551248 (VCV000551248.14), dbSNP rs377511303, ClinGen allele CA66575408.
Genomic context (GRCh38, chr2:227,118,724, plus strand): 5'-AGAGCTCCTCTTCCTCCTGGAAACCCTGGGTCACCTCTTGAGCCATTGTGGCCACTCATA[C>T]CAGGTTTGCCTCTGGGTCCAGGAGGCCCTGGGTGCCCCTGCAGAAAACAAAATTATAAGT-3'
Protein context (NP_000083.3, residues 127-147): PGPPGPRGKP[Gly137Asp]MSGHNGSRGD

ClinVar aggregate classification (germline): Conflicting classifications of pathogenicity. Review status: criteria provided, conflicting classifications (1 of 4 stars). 6 submissions from 6 submitters: Likely pathogenic (2); Uncertain significance (3). 1 of the submissions does not count toward it. Last evaluated 2025-08-06.

Conditions:
Alport syndrome. Also called: Hemorrhagic familial nephritis; Hemorrhagic hereditary nephritis; Congenital hereditary hematuria. Identifiers: Orphanet 63, MedGen C1567741, MONDO:0018965.
Inborn genetic diseases. Identifiers: MedGen C0950123, MeSH D030342.
Autosomal recessive Alport syndrome (ATS2). Also called: COL4A4 Alport Syndrome and Thin Basement Membrane Nephropathy; COL4A3-Related Nephropathy; ALPORT SYNDROME 2, AUTOSOMAL RECESSIVE; Alport syndrome type 2. Identifiers: Orphanet 63, Orphanet 88919, MedGen C4746745, MONDO:0008762, OMIM 203780.
Hematuria, benign familial, 1 (BFH1). Also called: THIN MEMBRANE NEPHROPATHY. Identifiers: MedGen CN376803, MONDO:0007709, OMIM 141200.

Allele frequency attached by ClinVar (database versions not stated): gnomAD exomes below 0.00001 and 0.00001; TOPMed 0.00003; ESP Exome Variant Server 0.00008.

Submissions (6):

Natera, Inc.
Classification: Likely pathogenic for Alport syndrome. Last evaluated: 2025-08-06. Review status: criteria provided, single submitter. Criteria: Natera Variant Classification Schema (03/2026). Collection method: clinical testing. Allele origin: germline.
Comment: The c.410G>A variant in COL4A4 is a missense variant predicted to cause substitution of glycine to aspartic acid at amino acid 137. This variant is rare in the general population with a frequency below the threshold expected for the associated phenotype(s). This variant has been observed in affected individual(s) with monoallelic occurrence (heterozygous/hemizygous) (PMID: 36013122). This variant is located in a functionally critical region of the protein. Computational prediction algorithms indicate this variant is likely to affect gene or protein function. Given the available evidence, this variant is classified as Likely Pathogenic.

Women's Health and Genetics/Laboratory Corporation of America, LabCorp
Classification: Uncertain significance. Last evaluated: 2024-07-31. Review status: criteria provided, single submitter. Criteria: LabCorp Variant Classification Summary - May 2015. Collection method: clinical testing. Allele origin: germline.
Comment: Variant summary: COL4A4 c.410G>A (p.Gly137Asp) results in a non-conservative amino acid change located in the Collagen triple helix repeat (IPR008160) of the encoded protein sequence. Five of five in-silico tools predict a damaging effect of the variant on protein function. The variant allele was found at a frequency of 8e-06 in 248802 control chromosomes (gnomAD). The available data on variant occurrences in the general population are insufficient to allow any conclusion about variant significance. c.410G>A has been reported in the literature in heterozygous individuals affected with kidney disease (Malone_2015, Varner_2018, Elliott_2023), however, these reports do not provide unequivocal conclusions about association of the variant with Alport Syndrome, Autosomal Recessive. To our knowledge, no experimental evidence demonstrating an impact on protein function has been reported. The following publications have been ascertained in the context of this evaluation (PMID: 25229338, 30406062, 36758113). ClinVar contains an entry for this variant (Variation ID: 551248). Based on the evidence outlined above, the variant was classified as uncertain significance.

Ambry Genetics
Classification: Uncertain significance for Inborn genetic diseases. Last evaluated: 2024-05-15. Review status: criteria provided, single submitter. Criteria: Ambry Variant Classification Scheme 2023. Collection method: clinical testing. Allele origin: germline.

Fulgent Genetics
Classification: Likely pathogenic for Hematuria, benign familial, 1; Autosomal recessive Alport syndrome. Last evaluated: 2024-03-01. Review status: criteria provided, single submitter. Criteria: ACMG Guidelines, 2015. Collection method: clinical testing. Allele origin: germline.

Labcorp Genetics (formerly Invitae), Labcorp
Classification: Uncertain significance. Last evaluated: 2021-09-01. Review status: criteria provided, single submitter. Criteria: Invitae Variant Classification Sherloc (09022015). Collection method: clinical testing. Allele origin: germline.
Comment: This sequence change replaces glycine with aspartic acid at codon 137 of the COL4A4 protein (p.Gly137Asp). The glycine residue is highly conserved and there is a moderate physicochemical difference between glycine and aspartic acid. This variant is not present in population databases (ExAC no frequency). This missense change has been observed in individual(s) with focal segmental glomerulosclerosis or steroid resistant nephrotic syndrome (PMID: 25229338, 30406062). ClinVar contains an entry for this variant (Variation ID: 551248). Algorithms developed to predict the effect of missense changes on protein structure and function are either unavailable or do not agree on the potential impact of this missense change (SIFT: "Deleterious"; PolyPhen-2: "Probably Damaging"; Align-GVGD: "Class C0"). In summary, the available evidence is currently insufficient to determine the role of this variant in disease. Therefore, it has been classified as a Variant of Uncertain Significance.

Counsyl
Classification: Uncertain significance for Autosomal recessive Alport syndrome. Last evaluated: 2017-03-27. Review status: no assertion criteria provided. Collection method: clinical testing. Allele origin: unknown. Not counted in ClinVar's aggregate classification.

Literature cited by the submitters: PubMed 36013122 (cited by Natera, Inc.); PubMed 25229338 (cited by 4 submitters); PubMed 30406062 (cited by Women's Health and Genetics/Laboratory Corporation of America, LabCorp and Labcorp Genetics (formerly Invitae), Labcorp); PubMed 36758113 (cited by Women's Health and Genetics/Laboratory Corporation of America, LabCorp).